The following is an entry in ClinVar:

ClinVar aggregate classification (germline): Pathogenic (1 of 4 stars; one submission).

Submission:

Labcorp Genetics (formerly Invitae), Labcorp
Classification: Pathogenic. Last evaluated: 2023-12-15. Review status: criteria provided, single submitter. Criteria: Invitae Variant Classification Sherloc (09022015). Collection method: clinical testing. Allele origin: germline.
Comment: This sequence change creates a premature translational stop signal (p.Thr1374Leufs*18) in the ABCA12 gene. It is expected to result in an absent or disrupted protein product. Loss-of-function variants in ABCA12 are known to be pathogenic (PMID: 20672373). This variant is not present in population databases (gnomAD no frequency). This variant has not been reported in the literature in individuals affected with ABCA12-related conditions. For these reasons, this variant has been classified as Pathogenic.

Literature cited by the submitters: PubMed 20672373.

NM_173076.3(ABCA12):c.4119del (p.Thr1374fs)

Gene: ABCA12 (ATP binding cassette subfamily A member 12; minus strand). Cytogenetic location: 2q35.
Variant type: Deletion.
Coding change: c.4119del on transcript NM_173076.3 (MANE Select); coding-DNA position 4119, one base deleted (T; older notation c.4119delT).
Protein change: p.Thr1374fs; shifts the reading frame from threonine 1374.
Molecular consequence: frameshift variant. On other transcripts: non-coding transcript variant (1).
Genome position (GRCh38, 1-based): chr2:214,986,586, A deleted on the plus strand (T on the coding strand, the reverse complement: ABCA12 is on the minus strand); the first of 2 consecutive A bases (chr2:214,986,586-214,986,587); deleting either gives the same sequence. VCF-style (leftmost placement, unchanged base first): chr2-214986585-TA-T. GRCh37 (hg19) VCF-style: chr2-215851309-TA-T.
Other names: c.3165del, p.Thr1056fs (NM_015657.4); short protein forms T1056fs, T1374fs.
Identifiers: ClinVar variation 2703432 (VCV002703432.3), dbSNP rs2469245464, ClinGen allele CA2697550399.